The following is an entry in ClinVar:

ClinVar aggregate classification (germline): Pathogenic. Review status: criteria provided, single submitter (1 of 4 stars). 2 submissions from 2 submitters: Pathogenic (1). 1 of the submissions does not count toward it. Last evaluated 2025-10-10.

Conditions:
Inborn genetic diseases. Identifiers: MedGen C0950123, MeSH D030342.
Sotos syndrome (SOTOS). Also called: Sotos' syndrome; CHROMOSOME 5q35 DELETION SYNDROME; SOTOS SYNDROME 1; Distinctive facial appearance, overgrowth in childhood, and learning disabilities or delayed development; CEREBRAL GIGANTISM. Identifiers: Orphanet 821, MedGen C0175695, MONDO:0019349, OMIM 117550.

Submissions (2):

Ambry Genetics
Classification: Pathogenic for Inborn genetic diseases. Last evaluated: 2025-10-10. Review status: criteria provided, single submitter. Criteria: Ambry Variant Classification Scheme 2023. Collection method: clinical testing. Allele origin: germline.
Comment: The c.5509+1G>A intronic variant consists of a G to A substitution one nucleotide after exon 16 (coding exon 15) of the NSD1 gene. Alterations that disrupt the canonical splice site are expected to cause aberrant splicing, resulting in an abnormal protein or a transcript that is subject to nonsense-mediated mRNA decay. This variant was not reported in population-based cohorts in the Genome Aggregation Database (gnomAD). This variant was determined to be de novo in at least one individual with features consistent with Sotos syndrome (Fan, 2021). This nucleotide position is highly conserved in available vertebrate species. In silico splice site analysis predicts that this alteration will weaken the native splice donor site. Based on the available evidence, this alteration is classified as pathogenic.

Beijing Key Laboratory for Genetic Research of Skeletal Deformity, Peking Union Medical College Hospital
Classification: Pathogenic for Sotos syndrome. Last evaluated: 2019-05-31. Review status: no assertion criteria provided. Collection method: research. Allele origin: de novo. Affected: yes. Not counted in ClinVar's aggregate classification.

Literature cited by the submitters: PubMed 34006472 (cited by Ambry Genetics).

NM_022455.5(NSD1):c.5509+1G>A

Genes: NSD1 (nuclear receptor binding SET domain protein 1; plus strand), LOC126807619 (MED14-independent group 3 enhancer GRCh37_chr5:176696443-176697642; plus strand). Cytogenetic location: 5q35.3.
Variant type: single nucleotide variant.
Coding change: c.5509+1G>A on transcript NM_022455.5 (MANE Select); the canonical splice donor site of the intron after coding-DNA position 5509, G replaced by A.
Molecular consequence: splice donor variant.
Genome position (GRCh38, 1-based): chr5:177,269,808, G>A. VCF-style: chr5-177269808-G-A. GRCh37 (hg19) VCF-style: chr5-176696809-G-A.
Other names: c.5509+1G>A (NM_001409301.1, NM_001409302.1, NM_001409303.1); c.5089+1G>A (NM_001409304.1); c.4756+1G>A (NM_001409305.1); c.4747+1G>A (NM_001409306.1, NM_001409307.1); c.4636+1G>A (NM_001409308.1, NM_172349.5, NM_001409309.1 and 1 more transcripts).
Identifiers: ClinVar variation 998028 (VCV000998028.3), dbSNP rs1757808917, ClinGen allele CA362307199.